The following is an entry in ClinVar:

NM_000487.6(ARSA):c.1370C>T (p.Ala457Val)

Gene: ARSA (arylsulfatase A; minus strand). Cytogenetic location: 22q13.33.
Variant type: single nucleotide variant.
Coding change: c.1370C>T on transcript NM_000487.6 (MANE Select); coding-DNA position 1370, C replaced by T.
Protein change: p.Ala457Val; replaces alanine 457 with valine.
Molecular consequence: missense variant.
Genome position (GRCh38, 1-based): chr22:50,625,305, G>A on the plus strand (C>T on the coding strand, the complement: ARSA is on the minus strand). VCF-style: chr22-50625305-G-A. GRCh37 (hg19) VCF-style: chr22-51063733-G-A.
Other names: c.1370C>T, p.Ala457Val (NM_001085425.3, NM_001085426.3, NM_001085427.3); c.1112C>T, p.Ala371Val (NM_001085428.3, NM_001362782.2); short protein forms A371V, A457V.
Identifiers: ClinVar variation 2061911 (VCV002061911.4), dbSNP rs2518321777, ClinGen allele CA412168142.

ClinVar aggregate classification (germline): Uncertain significance (1 of 4 stars; one submission).

Conditions:
Metachromatic leukodystrophy (MLD). Also called: SULFATIDE LIPIDOSIS; ARSA DEFICIENCY; CEREBROSIDE SULFATASE DEFICIENCY; METACHROMATIC LEUKOENCEPHALOPATHY; Cerebral sclerosis diffuse metachromatic form; Arylsulfatase A Deficiency. Identifiers: Orphanet 512, MedGen C0023522, MONDO:0018868, OMIM 250100.

Submission:

Labcorp Genetics (formerly Invitae), Labcorp
Classification: Uncertain significance for Metachromatic leukodystrophy. Last evaluated: 2022-06-04. Review status: criteria provided, single submitter. Criteria: Invitae Variant Classification Sherloc (09022015). Collection method: clinical testing. Allele origin: germline.
Comment: In summary, the available evidence is currently insufficient to determine the role of this variant in disease. Therefore, it has been classified as a Variant of Uncertain Significance. Algorithms developed to predict the effect of missense changes on protein structure and function output the following: SIFT: "Tolerated"; PolyPhen-2: "Benign"; Align-GVGD: "Class C0". The valine amino acid residue is found in multiple mammalian species, which suggests that this missense change does not adversely affect protein function. This variant has not been reported in the literature in individuals affected with ARSA-related conditions. This variant is not present in population databases (gnomAD no frequency). This sequence change replaces alanine, which is neutral and non-polar, with valine, which is neutral and non-polar, at codon 457 of the ARSA protein (p.Ala457Val).